The following is an entry in ClinVar:

NM_001376232.1(ZP2):c.-9T>C

Gene: ZP2 (zona pellucida glycoprotein 2; minus strand). Cytogenetic location: 16p12.2.
Variant type: single nucleotide variant.
Coding change: c.-9T>C on transcript NM_001376232.1 (MANE Select); 9 bases upstream of the start codon, T replaced by C.
Molecular consequence: 5 prime UTR variant. On other transcripts: non-coding transcript variant (1).
Genome position (GRCh38, 1-based): chr16:21,211,556, A>G on the plus strand (T>C on the coding strand, the complement: ZP2 is on the minus strand). VCF-style: chr16-21211556-A-G. GRCh37 (hg19) VCF-style: chr16-21222877-A-G.
Other names: c.-9T>C (NM_001376231.1, NM_001376233.1, NM_003460.2).
Identifiers: ClinVar variation 3039472 (VCV003039472.2), dbSNP rs112807170, ClinGen allele CA7950269.

ClinVar aggregate classification (germline): Benign (0 of 4 stars; one submission).

Conditions:
ZP2-related disorder. Also called: ZP2-related condition.

Allele frequency attached by ClinVar (database versions not stated): gnomAD exomes 0.00034; ExAC 0.00108; 1000 Genomes Project 30x 0.00187; 1000 Genomes Project 0.00200; gnomAD 0.00332; TOPMed 0.00386; ESP Exome Variant Server 0.00431.
gnomAD v4.1: 1,054 of 1,614,064 alleles (0.065%); highest among the groups gnomAD compares: African/African-American, 1.2%; 3 homozygotes.

Submission:

PreventionGenetics, part of Exact Sciences
Classification: Benign for ZP2-related condition. Last evaluated: 2019-05-28. Review status: no assertion criteria provided. Collection method: clinical testing. Allele origin: germline.
Comment: This variant is classified as benign based on ACMG/AMP sequence variant interpretation guidelines (Richards et al. 2015 PMID: 25741868, with internal and published modifications).